The following is an entry in ClinVar:

ClinVar aggregate classification (germline): Likely benign (0 of 4 stars; one submission).

Conditions:
SLC4A5-related disorder. Also called: SLC4A5-related condition.

Allele frequency attached by ClinVar (database versions not stated): ESP Exome Variant Server 0.00023; TOPMed 0.00023; gnomAD 0.00034; gnomAD exomes 0.00062; 1000 Genomes Project 0.00120; 1000 Genomes Project 30x 0.00125; ExAC 0.00135.
gnomAD v4.1: 965 of 1,606,136 alleles (0.06%); highest among the groups gnomAD compares: South Asian, 0.65%; 12 homozygotes.

Submission:

PreventionGenetics, part of Exact Sciences
Classification: Likely benign for SLC4A5-related condition. Last evaluated: 2019-06-07. Review status: no assertion criteria provided. Collection method: clinical testing. Allele origin: germline.
Comment: This variant is classified as likely benign based on ACMG/AMP sequence variant interpretation guidelines (Richards et al. 2015 PMID: 25741868, with internal and published modifications).

NM_133478.3(SLC4A5):c.1405G>A (p.Gly469Arg)

Gene: SLC4A5 (solute carrier family 4 member 5; minus strand). Cytogenetic location: 2p13.1.
Variant type: single nucleotide variant.
Coding change: c.1405G>A on transcript NM_133478.3 (MANE Select); coding-DNA position 1405, G replaced by A.
Protein change: p.Gly469Arg; replaces glycine 469 with arginine.
Molecular consequence: missense variant.
Genome position (GRCh38, 1-based): chr2:74,252,252, C>T on the plus strand (G>A on the coding strand, the complement: SLC4A5 is on the minus strand). VCF-style: chr2-74252252-C-T. GRCh37 (hg19) VCF-style: chr2-74479379-C-T.
Other names: c.1057G>A, p.Gly353Arg (NM_001386136.1); c.1405G>A, p.Gly469Arg (NM_021196.3); short protein forms G353R, G469R.
Identifiers: ClinVar variation 3044105 (VCV003044105.2), dbSNP rs142491962, ClinGen allele CA1720801.